The following is an entry in ClinVar:

NM_006180.6(NTRK2):c.36G>A (p.Met12Ile)

Gene: NTRK2 (neurotrophic receptor tyrosine kinase 2; plus strand). Cytogenetic location: 9q21.33.
Variant type: single nucleotide variant.
Coding change: c.36G>A on transcript NM_006180.6 (MANE Select); coding-DNA position 36, G replaced by A.
Protein change: p.Met12Ile; replaces methionine 12 with isoleucine.
Molecular consequence: missense variant.
Genome position (GRCh38, 1-based): chr9:84,670,784, G>A. VCF-style: chr9-84670784-G-A. GRCh37 (hg19) VCF-style: chr9-87285699-G-A.
Other names: c.36G>A, p.Met12Ile (NM_001007097.3, NM_001018064.3, NM_001018065.2 and 18 more transcripts); short protein forms M12I.
Identifiers: ClinVar variation 4990881 (VCV004990881.1).

ClinVar aggregate classification (germline): Uncertain significance (1 of 4 stars; one submission).

Conditions:
NTRK2-related disorder. Also called: NTRK2-related condition.

Submission:

PreventionGenetics, part of Exact Sciences
Classification: Uncertain significance for NTRK2-related condition. Last evaluated: 2026-06-14. Review status: criteria provided, single submitter. Criteria: ACMG Guidelines, 2015. Collection method: clinical testing. Allele origin: germline.
Comment: The NTRK2 c.36G>A variant is predicted to result in the amino acid substitution p.Met12Ile. To our knowledge, this variant has not been reported in the literature. This variant is reported in 0.0054% of alleles in individuals of East Asian descent in gnomAD. At this time, the clinical significance of this variant is uncertain due to the absence of conclusive functional and genetic evidence.